The following is an entry in ClinVar:

ClinVar aggregate classification (germline): Uncertain significance (1 of 4 stars; one submission).

Conditions:
Peroxisome biogenesis disorder, complementation group 7 (CG7). Also called: Peroxisome biogenesis disorder, complementation group B. Identifiers: MedGen C1864399.

Allele frequency attached by ClinVar (database versions not stated): gnomAD 0.00001; gnomAD exomes 0.00001; TOPMed 0.00001.
gnomAD v4.1: 4 of 1,609,832 alleles (0.00025%); highest among the groups gnomAD compares: Non-Finnish European, 0.00034%; no homozygotes.

Submission:

Labcorp Genetics (formerly Invitae), Labcorp
Classification: Uncertain significance for Peroxisome biogenesis disorder, complementation group 7. Last evaluated: 2025-11-03. Review status: criteria provided, single submitter. Criteria: Invitae Variant Classification Sherloc (09022015). Collection method: clinical testing. Allele origin: germline.
Comment: This sequence change replaces valine, which is neutral and non-polar, with isoleucine, which is neutral and non-polar, at codon 235 of the PEX10 protein (p.Val235Ile). This variant is not present in population databases (gnomAD no frequency). This variant has not been reported in the literature in individuals affected with PEX10-related conditions. ClinVar contains an entry for this variant (Variation ID: 1943969). An algorithm developed to predict the effect of missense changes on protein structure and function (PolyPhen-2) suggests that this variant is likely to be tolerated. In summary, the available evidence is currently insufficient to determine the role of this variant in disease. Therefore, it has been classified as a Variant of Uncertain Significance.

NM_002617.4(PEX10):c.643G>A (p.Val215Ile)

Gene: PEX10 (peroxisomal biogenesis factor 10; minus strand). Cytogenetic location: 1p36.32.
Variant type: single nucleotide variant.
Coding change: c.643G>A on transcript NM_002617.4 (MANE Select); coding-DNA position 643, G replaced by A.
Protein change: p.Val215Ile; replaces valine 215 with isoleucine.
Molecular consequence: missense variant. On other transcripts: non-coding transcript variant (1).
Genome position (GRCh38, 1-based): chr1:2,406,853, C>T on the plus strand (G>A on the coding strand, the complement: PEX10 is on the minus strand). VCF-style: chr1-2406853-C-T. GRCh37 (hg19) VCF-style: chr1-2338292-C-T.
Other names: c.700G>A, p.Val234Ile (NM_001374425.1); c.268G>A, p.Val90Ile (NM_001374426.1); c.211G>A, p.Val71Ile (NM_001374427.1); c.703G>A, p.Val235Ile (NM_153818.2); short protein forms V235I, V90I, V215I, V234I, V71I.
Identifiers: ClinVar variation 1943969 (VCV001943969.3), dbSNP rs1480328140, ClinGen allele CA337985612.